The following is an entry in ClinVar:

ClinVar aggregate classification (germline): Uncertain significance (1 of 4 stars; one submission).

Allele frequency attached by ClinVar (database versions not stated): ExAC 0.00001; gnomAD 0.00001; gnomAD exomes 0.00001; TOPMed 0.00001.
gnomAD v4.1: 15 of 1,613,470 alleles (0.00093%); highest among the groups gnomAD compares: Non-Finnish European, 0.0013%; no homozygotes.

Submission:

Labcorp Genetics (formerly Invitae), Labcorp
Classification: Uncertain significance. Last evaluated: 2021-07-18. Review status: criteria provided, single submitter. Criteria: Invitae Variant Classification Sherloc (09022015). Collection method: clinical testing. Allele origin: germline.
Comment: This variant has not been reported in the literature in individuals affected with TBCK-related conditions. This variant is present in population databases (rs756603134, ExAC 0.001%). This sequence change replaces histidine with arginine at codon 73 of the TBCK protein (p.His73Arg). The histidine residue is highly conserved and there is a small physicochemical difference between histidine and arginine. Algorithms developed to predict the effect of missense changes on protein structure and function are either unavailable or do not agree on the potential impact of this missense change (SIFT: "Deleterious"; PolyPhen-2: "Probably Damaging"; Align-GVGD: "Class C0"). In summary, the available evidence is currently insufficient to determine the role of this variant in disease. Therefore, it has been classified as a Variant of Uncertain Significance.

NM_001163435.3(TBCK):c.218A>G (p.His73Arg)

Gene: TBCK (TBC1 domain containing kinase; minus strand). Cytogenetic location: 4q24.
Variant type: single nucleotide variant.
Coding change: c.218A>G on transcript NM_001163435.3 (MANE Select); coding-DNA position 218, A replaced by G.
Protein change: p.His73Arg; replaces histidine 73 with arginine.
Molecular consequence: missense variant. On other transcripts: 5 prime UTR variant (1).
Genome position (GRCh38, 1-based): chr4:106,295,142, T>C on the plus strand (A>G on the coding strand, the complement: TBCK is on the minus strand). VCF-style: chr4-106295142-T-C. GRCh37 (hg19) VCF-style: chr4-107216299-T-C.
Other names: c.218A>G, p.His73Arg (NM_001163436.4, NM_001163437.3, NM_033115.5); c.-400A>G (NM_001290768.2); short protein forms H73R.
Identifiers: ClinVar variation 1489861 (VCV001489861.8), dbSNP rs756603134, ClinGen allele CA3035496.